The following is an entry in ClinVar:

ClinVar aggregate classification (germline): Uncertain significance. Review status: criteria provided, multiple submitters, no conflicts (2 of 4 stars). 3 submissions from 3 submitters: Uncertain significance (2). 1 of the submissions does not count toward it. Last evaluated 2023-12-15.

Conditions:
Cardiovascular phenotype. Identifiers: MedGen CN230736.
Alstrom syndrome (ALMS). Identifiers: Orphanet 64, MedGen C0268425, MONDO:0008763, OMIM 203800.

Allele frequency attached by ClinVar (database versions not stated): gnomAD 0.00002; TOPMed 0.00003; ESP Exome Variant Server 0.00008.
gnomAD v4.1: 34 of 1,613,902 alleles (0.0021%); highest among the groups gnomAD compares: Non-Finnish European, 0.0025%; no homozygotes.

Submissions (3):

Ambry Genetics
Classification: Uncertain significance for Cardiovascular phenotype. Last evaluated: 2023-12-15. Review status: criteria provided, single submitter. Criteria: Ambry Variant Classification Scheme 2023. Collection method: clinical testing. Allele origin: germline.
Comment: The p.P4047S variant (also known as c.12139C>T), located in coding exon 20 of the ALMS1 gene, results from a C to T substitution at nucleotide position 12139. The proline at codon 4047 is replaced by serine, an amino acid with similar properties. This amino acid position is highly conserved in available vertebrate species. In addition, this alteration is predicted to be deleterious by in silico analysis. Since supporting evidence is limited at this time, the clinical significance of this alteration remains unclear.

Labcorp Genetics (formerly Invitae), Labcorp
Classification: Uncertain significance for Alstrom syndrome. Last evaluated: 2022-07-27. Review status: criteria provided, single submitter. Criteria: Invitae Variant Classification Sherloc (09022015). Collection method: clinical testing. Allele origin: germline.
Comment: This sequence change replaces proline, which is neutral and non-polar, with serine, which is neutral and polar, at codon 4047 of the ALMS1 protein (p.Pro4047Ser). This variant is present in population databases (rs371269253, gnomAD 0.007%). This variant has not been reported in the literature in individuals affected with ALMS1-related conditions. ClinVar contains an entry for this variant (Variation ID: 556095). Experimental studies and prediction algorithms are not available or were not evaluated, and the functional significance of this variant is currently unknown. In summary, the available evidence is currently insufficient to determine the role of this variant in disease. Therefore, it has been classified as a Variant of Uncertain Significance.

Counsyl
Classification: Uncertain significance for Alstrom syndrome. Last evaluated: 2018-01-15. Review status: no assertion criteria provided. Collection method: clinical testing. Allele origin: unknown. Not counted in ClinVar's aggregate classification.

NM_001378454.1(ALMS1):c.12136C>T (p.Pro4046Ser)

Genes: ALMS1 (ALMS1 centrosome and basal body associated protein; plus strand), LOC126806252 (BRD4-independent group 4 enhancer GRCh37_chr2:73828496-73829695; plus strand). Cytogenetic location: 2p13.1.
Variant type: single nucleotide variant.
Coding change: c.12136C>T on transcript NM_001378454.1 (MANE Select); coding-DNA position 12136, C replaced by T.
Protein change: p.Pro4046Ser; replaces proline 4046 with serine.
Molecular consequence: missense variant.
Genome position (GRCh38, 1-based): chr2:73,602,206, C>T. VCF-style: chr2-73602206-C-T. GRCh37 (hg19) VCF-style: chr2-73829333-C-T.
Other names: c.12139C>T, p.Pro4047Ser (NM_015120.4); short protein forms P4047S, P4046S.
Identifiers: ClinVar variation 556095 (VCV000556095.5), dbSNP rs371269253, ClinGen allele CA50337846.
Genomic context (GRCh38, chr2:73,602,206, plus strand): 5'-ATCTGAGGCTGGGCATTTTCTCTTTTTTTTTTCTTTTAGGAATCGCTTCAGTTTCACAGA[C>T]CTGACTTCATCTCCCGCTCTGGGGAGCGGATAAAGCGCCTGAAGTTAATAGTCCAGGAGA-3'
Protein context (NP_001365383.1, residues 4036-4056): TLQESLQFHR[Pro4046Ser]DFISRSGERI